The following is an entry in ClinVar:

NM_032444.4(SLX4):c.2846C>T (p.Pro949Leu)

Gene: SLX4 (SLX4 structure-specific endonuclease subunit; minus strand). Cytogenetic location: 16p13.3.
Variant type: single nucleotide variant.
Coding change: c.2846C>T on transcript NM_032444.4 (MANE Select); coding-DNA position 2846, C replaced by T.
Protein change: p.Pro949Leu; replaces proline 949 with leucine.
Molecular consequence: missense variant.
Genome position (GRCh38, 1-based): chr16:3,590,792, G>A on the plus strand (C>T on the coding strand, the complement: SLX4 is on the minus strand). VCF-style: chr16-3590792-G-A. GRCh37 (hg19) VCF-style: chr16-3640793-G-A.
Other names: short protein forms P949L.
Identifiers: ClinVar variation 2041215 (VCV002041215.5), dbSNP rs1382157359, ClinGen allele CA394522642.

ClinVar aggregate classification (germline): Uncertain significance. Review status: criteria provided, multiple submitters, no conflicts (2 of 4 stars). 2 submissions from 2 submitters: Uncertain significance (2). Last evaluated 2024-06-19.

Conditions:
Fanconi anemia complementation group P. Also called: SLX4-Related Fanconi Anemia. Identifiers: Orphanet 84, MedGen C3469542, MONDO:0013499, OMIM 613951.
Fanconi anemia (FA). Also called: Fanconi's anemia. Identifiers: Orphanet 84, MedGen C0015625, MeSH D005199, MONDO:0019391.

Allele frequency attached by ClinVar (database versions not stated): gnomAD 0.00001; TOPMed 0.00001.
gnomAD v4.1: 1 of 1,613,900 alleles (0.000062%); highest among the groups gnomAD compares: Non-Finnish European, 0.000085%; no homozygotes.

Submissions (2):

Fulgent Genetics
Classification: Uncertain significance for Fanconi anemia complementation group P. Last evaluated: 2024-06-19. Review status: criteria provided, single submitter. Criteria: ACMG Guidelines, 2015. Collection method: clinical testing. Allele origin: germline.

Labcorp Genetics (formerly Invitae), Labcorp
Classification: Uncertain significance for Fanconi anemia. Last evaluated: 2022-06-27. Review status: criteria provided, single submitter. Criteria: Invitae Variant Classification Sherloc (09022015). Collection method: clinical testing. Allele origin: germline.
Comment: In summary, the available evidence is currently insufficient to determine the role of this variant in disease. Therefore, it has been classified as a Variant of Uncertain Significance. Algorithms developed to predict the effect of missense changes on protein structure and function output the following: SIFT: "Tolerated"; PolyPhen-2: "Benign"; Align-GVGD: "Class C0". The leucine amino acid residue is found in multiple mammalian species, which suggests that this missense change does not adversely affect protein function. This variant has not been reported in the literature in individuals affected with SLX4-related conditions. This variant is not present in population databases (gnomAD no frequency). This sequence change replaces proline, which is neutral and non-polar, with leucine, which is neutral and non-polar, at codon 949 of the SLX4 protein (p.Pro949Leu).